The following is an entry in ClinVar:

ClinVar aggregate classification (germline): Pathogenic. Review status: criteria provided, multiple submitters, no conflicts (2 of 4 stars). 5 submissions from 5 submitters: Pathogenic (4). 1 of the submissions does not count toward it. Last evaluated 2026-05-13.

Conditions:
Diencephalic-mesencephalic junction dysplasia syndrome 1 (DMJDS1). Also called: Microcephaly with spastic quadriplegia. Identifiers: MedGen C4538630, MONDO:0009625, OMIM 251280.

Allele frequency attached by ClinVar (database versions not stated): ExAC 0.00001; gnomAD 0.00001; TOPMed 0.00001; ESP Exome Variant Server 0.00008.
gnomAD v4.1: 44 of 1,614,046 alleles (0.0027%); highest among the groups gnomAD compares: Non-Finnish European, 0.0035%; no homozygotes.

Submissions (5):

Institute of Human Genetics, University of Leipzig Medical Center
Classification: Pathogenic for Diencephalic-mesencephalic junction dysplasia syndrome 1. Last evaluated: 2026-05-13. Review status: criteria provided, single submitter. Criteria: ACMG Guidelines, 2015. Collection method: clinical testing. Allele origin: paternal. Inheritance: Autosomal recessive inheritance. Affected: yes.
Comment: Criteria applied: PVS1,PM3_STR,PP1_STR,PS4_MOD,PM2; Identified as compund heterozygous with NM_016580.4:c.2519_2520del

Labcorp Genetics (formerly Invitae), Labcorp
Classification: Pathogenic. Last evaluated: 2025-05-09. Review status: criteria provided, single submitter. Criteria: Invitae Variant Classification Sherloc (09022015). Collection method: clinical testing. Allele origin: germline.
Comment: This sequence change creates a premature translational stop signal (p.Arg839*) in the PCDH12 gene. It is expected to result in an absent or disrupted protein product. Loss-of-function variants in PCDH12 are known to be pathogenic (PMID: 27164683, 29556033). This variant is present in population databases (rs375346212, gnomAD 0.003%). This premature translational stop signal has been observed in individual(s) with clinical features of diencephalic-mesencephalic junction dysplasia (PMID: 27164683). ClinVar contains an entry for this variant (Variation ID: 440889). For these reasons, this variant has been classified as Pathogenic.

GeneDx
Classification: Pathogenic. Last evaluated: 2023-04-17. Review status: criteria provided, single submitter. Criteria: GeneDx Variant Classification Process June 2021. Collection method: clinical testing. Allele origin: germline. Affected: yes.
Comment: Nonsense variant predicted to result in protein truncation or nonsense mediated decay in a gene for which loss-of-function is a known mechanism of disease; Not observed at a significant frequency in large population cohorts (gnomAD); This variant is associated with the following publications: (PMID: 28804758, 7774041, 27164683, 34321325)

Department of Genetics, Rouen University Hospital, Normandy Center for Genomic and Personalized Medicine
Classification: Pathogenic for Diencephalic-mesencephalic junction dysplasia syndrome 1. Last evaluated: 2021-03-04. Review status: criteria provided, single submitter. Criteria: ACMG Guidelines, 2015. Collection method: clinical testing. Allele origin: maternal. Affected: yes.

OMIM
Classification: Pathogenic for DIENCEPHALIC-MESENCEPHALIC JUNCTION DYSPLASIA SYNDROME 1. Last evaluated: 2019-10-30. Review status: no assertion criteria provided. Collection method: literature only. Allele origin: germline. Not counted in ClinVar's aggregate classification.

Literature cited by the submitters: PubMed 27164683 (cited by Labcorp Genetics (formerly Invitae), Labcorp and OMIM); PubMed 29556033 (cited by Labcorp Genetics (formerly Invitae), Labcorp); PubMed 7774041 (cited by OMIM).

NM_016580.4(PCDH12):c.2515C>T (p.Arg839Ter)

Genes: PCDH12 (protocadherin 12; minus strand), RNF14 (ring finger protein 14; plus strand). Cytogenetic location: 5q31.3.
Variant type: single nucleotide variant.
Coding change: c.2515C>T on transcript NM_016580.4 (MANE Select); coding-DNA position 2515, C replaced by T.
Protein change: p.Arg839Ter; replaces arginine 839 with a stop codon.
Molecular consequence: nonsense.
Genome position (GRCh38, 1-based): chr5:141,955,337, G>A on the plus strand (C>T on the coding strand, the complement: PCDH12 is on the minus strand). VCF-style: chr5-141955337-G-A. GRCh37 (hg19) VCF-style: chr5-141334902-G-A.
Other names: short protein forms R839*.
Identifiers: ClinVar variation 440889 (VCV000440889.14), dbSNP rs375346212, ClinGen allele CA3484204.